The following is an entry in ClinVar:

ClinVar aggregate classification (germline): Uncertain significance. Review status: criteria provided, multiple submitters, no conflicts (2 of 4 stars). 2 submissions from 2 submitters: Uncertain significance (2). Last evaluated 2026-01-14.

Allele frequency attached by ClinVar (database versions not stated): ESP Exome Variant Server 0.00015.
gnomAD v4.1: 284 of 1,614,076 alleles (0.018%); highest among the groups gnomAD compares: Middle Eastern, 0.082%; no homozygotes.

Submissions (2):

Labcorp Genetics (formerly Invitae), Labcorp
Classification: Uncertain significance. Last evaluated: 2026-01-14. Review status: criteria provided, single submitter. Criteria: Invitae Variant Classification Sherloc (09022015). Collection method: clinical testing. Allele origin: germline.
Comment: This sequence change replaces methionine, which is neutral and non-polar, with isoleucine, which is neutral and non-polar, at codon 600 of the KIF20A protein (p.Met600Ile). This variant is present in population databases (rs201044865, gnomAD 0.03%). This variant has not been reported in the literature in individuals affected with KIF20A-related conditions. ClinVar contains an entry for this variant (Variation ID: 1383416). An algorithm developed to predict the effect of missense changes on protein structure and function (PolyPhen-2) suggests that this variant is likely to be tolerated. In summary, the available evidence is currently insufficient to determine the role of this variant in disease. Therefore, it has been classified as a Variant of Uncertain Significance.

Ambry Genetics
Classification: Uncertain significance. Last evaluated: 2022-04-13. Review status: criteria provided, single submitter. Criteria: Ambry Variant Classification Scheme 2023. Collection method: clinical testing. Allele origin: germline.

NM_005733.3(KIF20A):c.1800G>C (p.Met600Ile)

Gene: KIF20A (kinesin family member 20A; plus strand). Cytogenetic location: 5q31.2.
Variant type: single nucleotide variant.
Coding change: c.1800G>C on transcript NM_005733.3 (MANE Select); coding-DNA position 1800, G replaced by C.
Protein change: p.Met600Ile; replaces methionine 600 with isoleucine.
Molecular consequence: missense variant.
Genome position (GRCh38, 1-based): chr5:138,184,923, G>C. VCF-style: chr5-138184923-G-C. GRCh37 (hg19) VCF-style: chr5-137520612-G-C.
Other names: c.1800G>C (NM_005733.2); short protein forms M600I.
Identifiers: ClinVar variation 1383416 (VCV001383416.7), dbSNP rs201044865, ClinGen allele CA3426705.